The following is an entry in ClinVar:

NM_031433.4(MFRP):c.169C>T (p.Arg57Ter)

Genes: C1QTNF5 (C1q and TNF related 5; minus strand), MFRP (membrane frizzled-related protein; minus strand). Cytogenetic location: 11q23.3.
Variant type: single nucleotide variant.
Coding change: c.169C>T on transcript NM_031433.4 (MANE Select); coding-DNA position 169, C replaced by T.
Protein change: p.Arg57Ter; replaces arginine 57 with a stop codon.
Molecular consequence: nonsense. On other transcripts: 5 prime UTR variant (1).
Genome position (GRCh38, 1-based): chr11:119,346,148, G>A on the plus strand (C>T on the coding strand, the complement: MFRP is on the minus strand). VCF-style: chr11-119346148-G-A. GRCh37 (hg19) VCF-style: chr11-119216858-G-A.
Other names: c.-2468C>T (NM_015645.5); short protein forms R57*.
Identifiers: ClinVar variation 501519 (VCV000501519.13), dbSNP rs1422497202, ClinGen allele CA382979564.

ClinVar aggregate classification (germline): Pathogenic/Likely pathogenic. Review status: criteria provided, multiple submitters, no conflicts (2 of 4 stars). 3 submissions from 3 submitters: Pathogenic (1); Likely pathogenic (2). Last evaluated 2025-05-05.

Conditions:
MFRP-related disorder. Also called: MFRP-related disorders; MFRP-related condition.
Isolated microphthalmia 5. Also called: Posterior Microphthalmia with Retinitis Pigmentosa, Foveoschisis, and Optic Disc Drusen. Identifiers: Orphanet 251279, MedGen C1970236, MONDO:0012605, OMIM 611040.

Allele frequency attached by ClinVar (database versions not stated): gnomAD 0.00001; TOPMed 0.00001; gnomAD exomes 0.00002.
gnomAD v4.1: 32 of 1,593,618 alleles (0.002%); highest among the groups gnomAD compares: Non-Finnish European, 0.0026%; no homozygotes.

Submissions (3):

Labcorp Genetics (formerly Invitae), Labcorp
Classification: Pathogenic for Isolated microphthalmia 5. Last evaluated: 2025-05-05. Review status: criteria provided, single submitter. Criteria: Invitae Variant Classification Sherloc (09022015). Collection method: clinical testing. Allele origin: germline.
Comment: This sequence change creates a premature translational stop signal (p.Arg57*) in the MFRP gene. It is expected to result in an absent or disrupted protein product. Loss-of-function variants in MFRP are known to be pathogenic (PMID: 12140190, 15976030, 20361016). The frequency data for this variant in the population databases is considered unreliable, as metrics indicate poor data quality at this position in the gnomAD database. This variant has not been reported in the literature in individuals affected with MFRP-related conditions. ClinVar contains an entry for this variant (Variation ID: 501519). For these reasons, this variant has been classified as Pathogenic.

Blueprint Genetics
Classification: Likely pathogenic for MFRP-related disorders. Last evaluated: 2024-05-31. Review status: criteria provided, single submitter. Criteria: ACMG Guidelines, 2015. Collection method: clinical testing. Allele origin: germline. Affected: yes. Observed: 3 variant alleles.

Eurofins Ntd Llc (ga)
Classification: Likely pathogenic. Last evaluated: 2017-04-24. Review status: criteria provided, single submitter. Criteria: EGL Classification Definitions 2015. Collection method: clinical testing. Allele origin: germline. Observed: 1 variant allele, 1 heterozygote.

Literature cited by the submitters: PubMed 12140190 (cited by Labcorp Genetics (formerly Invitae), Labcorp); PubMed 15976030 (cited by Labcorp Genetics (formerly Invitae), Labcorp); PubMed 20361016 (cited by Labcorp Genetics (formerly Invitae), Labcorp).